The following is an entry in ClinVar:

ClinVar aggregate classification (germline): Conflicting classifications of pathogenicity. Review status: criteria provided, conflicting classifications (1 of 4 stars). 3 submissions from 3 submitters: Likely pathogenic (1); Uncertain significance (2). Last evaluated 2023-12-08.

Conditions:
Familial thoracic aortic aneurysm and aortic dissection (TAAD). Also called: Thoracic aortic aneurysms and dissections. Identifiers: Orphanet 91387, MedGen C4707243, MONDO:0019625.
Marfan syndrome (MFS). Also called: Marfan syndrome type 1; Marfan's syndrome; FBN1-Related Marfan Syndrome; MARFAN SYNDROME, TYPE I; Marfan syndrome, classic. Identifiers: Orphanet 284963, Orphanet 558, MedGen C0024796, MONDO:0007947, OMIM 154700.

Submissions (3):

Labcorp Genetics (formerly Invitae), Labcorp
Classification: Uncertain significance for Marfan syndrome; Familial thoracic aortic aneurysm and aortic dissection. Last evaluated: 2023-12-08. Review status: criteria provided, single submitter. Criteria: Invitae Variant Classification Sherloc (09022015). Collection method: clinical testing. Allele origin: germline.
Comment: This sequence change replaces glycine, which is neutral and non-polar, with valine, which is neutral and non-polar, at codon 1952 of the FBN1 protein (p.Gly1952Val). This variant is not present in population databases (gnomAD no frequency). This missense change has been observed in individual(s) with Marfan syndrome (PMID: 35058154). ClinVar contains an entry for this variant (Variation ID: 1325429). Advanced modeling of protein sequence and biophysical properties (such as structural, functional, and spatial information, amino acid conservation, physicochemical variation, residue mobility, and thermodynamic stability) performed at Invitae indicates that this missense variant is expected to disrupt FBN1 protein function with a positive predictive value of 95%. Algorithms developed to predict the effect of sequence changes on RNA splicing suggest that this variant may create or strengthen a splice site. In summary, the available evidence is currently insufficient to determine the role of this variant in disease. Therefore, it has been classified as a Variant of Uncertain Significance.

Ambry Genetics
Classification: Uncertain significance for Familial thoracic aortic aneurysm and aortic dissection. Last evaluated: 2023-09-26. Review status: criteria provided, single submitter. Criteria: Ambry Variant Classification Scheme 2023. Collection method: clinical testing. Allele origin: germline.
Comment: The p.G1952V variant (also known as c.5855G>T), located in coding exon 47 of the FBN1 gene, results from a G to T substitution at nucleotide position 5855. The glycine at codon 1952 is replaced by valine, an amino acid with dissimilar properties. This variant alters a critical glycine in a sterically constrained region and is expected to disrupt FBN1 function (Van Kien PK et al. Hum Mutat. 2010;31(1):E1021-42). This amino acid position is highly conserved in available vertebrate species. In addition, this alteration is predicted to be deleterious by in silico analysis. Since supporting evidence is limited at this time, the clinical significance of this alteration remains unclear.

Centre of Medical Genetics, University of Antwerp
Classification: Likely pathogenic for Marfan syndrome. Last evaluated: 2021-03-01. Review status: criteria provided, single submitter. Criteria: Submitter's publication. Collection method: research. Allele origin: unknown. Affected: yes.
Comment: PM2, PS6, PP4

Literature cited by the submitters: PubMed 35058154 (cited by Labcorp Genetics (formerly Invitae), Labcorp and Ambry Genetics).

NM_000138.5(FBN1):c.5855G>T (p.Gly1952Val)

Gene: FBN1 (fibrillin 1; minus strand). Cytogenetic location: 15q21.1.
Variant type: single nucleotide variant.
Coding change: c.5855G>T on transcript NM_000138.5 (MANE Select); coding-DNA position 5855, G replaced by T.
Protein change: p.Gly1952Val; replaces glycine 1952 with valine.
Molecular consequence: missense variant.
Genome position (GRCh38, 1-based): chr15:48,445,438, C>A on the plus strand (G>T on the coding strand, the complement: FBN1 is on the minus strand). VCF-style: chr15-48445438-C-A. GRCh37 (hg19) VCF-style: chr15-48737635-C-A.
Other names: c.5855G>T, p.Gly1952Val (NM_001406716.1); short protein forms G1952V.
Identifiers: ClinVar variation 1325429 (VCV001325429.7), dbSNP rs2141249218, ClinGen allele CA392340055.
Genomic context (GRCh38, chr15:48,445,438, plus strand): 5'-ACACAGGTCCTCCCATCTGGAGCCACCTCATAGCCTTCATTGCACTGGCACTGGAAAGAC[C>A]CCACTGTATTAATGCATTGGCCATTTCTGCAAAGATTCCCATTTCCACTTGCACATTCAT-3'
Protein context (NP_000129.3, residues 1942-1962): CRNGQCINTV[Gly1952Val]SFQCQCNEGY